The following is an entry in ClinVar:

NM_000098.3(CPT2):c.1476C>T (p.Ala492=)

Gene: CPT2 (carnitine palmitoyltransferase 2; plus strand). Cytogenetic location: 1p32.3.
Variant type: single nucleotide variant.
Coding change: c.1476C>T on transcript NM_000098.3 (MANE Select); coding-DNA position 1476, C replaced by T.
Protein change: p.Ala492=; no amino-acid change (alanine 492 retained).
Molecular consequence: synonymous variant.
Genome position (GRCh38, 1-based): chr1:53,211,150, C>T. VCF-style: chr1-53211150-C-T. GRCh37 (hg19) VCF-style: chr1-53676822-C-T.
Other names: c.1476C>T, p.Ala492= (NM_001330589.2).
Identifiers: ClinVar variation 682290 (VCV000682290.14), dbSNP rs548364005, ClinGen allele CA859212.
Genomic context (GRCh38, chr1:53,211,150, plus strand): 5'-GATGGCCTTCCTGCGGCAGTACGGGCAGACAGTGGCCACCTACGAGTCCTGTAGCACTGC[C>T]GCATTCAAGCACGGCCGCACTGAGACCATCCGCCCGGCCTCCGTCTATACAAAGAGGTGC-3'
Protein context (NP_000089.1, residues 482-502): TVATYESCST[Ala492=]AFKHGRTETI

ClinVar aggregate classification (germline): Conflicting classifications of pathogenicity. Review status: criteria provided, conflicting classifications (1 of 4 stars). 3 submissions from 3 submitters: Uncertain significance (1); Likely benign (2). Last evaluated 2025-09-13.

Conditions:
Carnitine palmitoyltransferase II deficiency. Also called: Carnitine Palmitoyltransferase 2 Deficiency. Identifiers: Orphanet 157, MedGen C0342790, MONDO:0015515.

Allele frequency attached by ClinVar (database versions not stated): gnomAD 0.00001 and 0.00002; gnomAD exomes 0.00001; TOPMed 0.00001; ExAC 0.00002; 1000 Genomes Project 30x 0.00016; 1000 Genomes Project 0.00020.
gnomAD v4.1: 16 of 1,612,606 alleles (0.00099%); highest among the groups gnomAD compares: African/African-American, 0.004%; no homozygotes.

Submissions (3):

Labcorp Genetics (formerly Invitae), Labcorp
Classification: Likely benign for Carnitine palmitoyltransferase II deficiency. Last evaluated: 2025-09-13. Review status: criteria provided, single submitter. Criteria: Invitae Variant Classification Sherloc (09022015). Collection method: clinical testing. Allele origin: germline.

GeneDx
Classification: Likely benign. Last evaluated: 2018-04-19. Review status: criteria provided, single submitter. Criteria: GeneDx Variant Classification (06012015). Collection method: clinical testing. Allele origin: germline. Affected: yes.
Comment: This variant is considered likely benign or benign based on one or more of the following criteria: it is a conservative change, it occurs at a poorly conserved position in the protein, it is predicted to be benign by multiple in silico algorithms, and/or has population frequency not consistent with disease.

Illumina Laboratory Services, Illumina
Classification: Uncertain significance for Carnitine palmitoyltransferase II deficiency. Last evaluated: 2018-01-13. Review status: criteria provided, single submitter. Criteria: ICSL Variant Classification Criteria 13 December 2019. Collection method: clinical testing. Allele origin: germline.